The following is an entry in ClinVar:

ClinVar aggregate classification (germline): Conflicting classifications of pathogenicity. Review status: criteria provided, conflicting classifications (1 of 4 stars). 9 submissions from 7 submitters: Uncertain significance (3); Benign (1); Likely benign (4). 1 of the submissions does not count toward it. Last evaluated 2026-06-03.

Conditions:
Hereditary cancer-predisposing syndrome. Also called: Hereditary neoplastic syndrome; Neoplastic Syndromes, Hereditary; Hereditary Cancer Syndrome; Tumor predisposition. Identifiers: Orphanet 140162, MedGen C0027672, MeSH D009386, MONDO:0015356.
Gastrointestinal stromal tumor. Also called: Gastrointestinal stromal tumor, somatic; Gastrointestinal stroma tumor. Identifiers: Orphanet 44890, MedGen C0238198, MeSH D046152, MONDO:0011719, OMIM 606764, HP:0100723.
Piebaldism. Also called: Piebald skin depigmentation. Identifiers: Orphanet 2884, MedGen C0080024, MONDO:0008244, OMIM 172800, HP:0007544.
KIT-related disorder. Also called: KIT-related condition.
Mastocytosis. Also called: Mast Cell Disease. Identifiers: Orphanet 98292, MedGen C0024899, MONDO:0007950, HP:0100495.

Allele frequency attached by ClinVar (database versions not stated): ExAC 0.00006; gnomAD 0.00009 and 0.00011; TOPMed 0.00013; ESP Exome Variant Server 0.00023.
gnomAD v4.1: 168 of 1,580,842 alleles (0.011%); highest among the groups gnomAD compares: East Asian, 0.016%; no homozygotes.

Submissions (9):

Myriad Genetics, Inc.
Classification: Benign for Gastrointestinal stromal tumor. Last evaluated: 2026-06-03. Review status: criteria provided, single submitter. Criteria: Myriad Autosomal Dominant, Autosomal Recessive and X-Linked Classification Criteria (2023). Collection method: clinical testing. Allele origin: unknown.
Comment: This variant is considered benign. This variant is a silent/synonymous amino acid change and it is not expected to impact splicing.

Labcorp Genetics (formerly Invitae), Labcorp
Classification: Likely benign for Gastrointestinal stromal tumor. Last evaluated: 2026-01-31. Review status: criteria provided, single submitter. Criteria: Invitae Variant Classification Sherloc (09022015). Collection method: clinical testing. Allele origin: germline.

CeGaT Center for Human Genetics Tuebingen
Classification: Likely benign. Last evaluated: 2025-02-01. Review status: criteria provided, single submitter. Criteria: CeGaT Center For Human Genetics Tuebingen Variant Classification Criteria Version 2. Collection method: clinical testing. Allele origin: germline. Affected: yes. Observed: 1 variant allele.
Comment: KIT: BP4, BP7

Blueprint Genetics
Classification: Likely benign. Last evaluated: 2024-05-30. Review status: criteria provided, single submitter. Criteria: ACMG Guidelines, 2015. Collection method: clinical testing. Allele origin: germline.

Ambry Genetics
Classification: Likely benign for Hereditary cancer-predisposing syndrome. Last evaluated: 2019-06-03. Review status: criteria provided, single submitter. Criteria: Ambry Variant Classification Scheme 2023. Collection method: clinical testing. Allele origin: germline.

Illumina Laboratory Services, Illumina
Classification: Uncertain significance for Piebaldism. Last evaluated: 2018-01-12. Review status: criteria provided, single submitter. Criteria: ICSL Variant Classification Criteria 13 December 2019. Collection method: clinical testing. Allele origin: germline.

Illumina Laboratory Services, Illumina
Classification: Uncertain significance for Gastrointestinal stromal tumor. Last evaluated: 2018-01-12. Review status: criteria provided, single submitter. Criteria: ICSL Variant Classification Criteria 13 December 2019. Collection method: clinical testing. Allele origin: germline.

Illumina Laboratory Services, Illumina
Classification: Uncertain significance for Cutaneous mastocytosis. Last evaluated: 2018-01-12. Review status: criteria provided, single submitter. Criteria: ICSL Variant Classification Criteria 13 December 2019. Collection method: clinical testing. Allele origin: germline.

PreventionGenetics, part of Exact Sciences
Classification: Likely benign for KIT-related condition. Last evaluated: 2023-01-27. Review status: no assertion criteria provided. Collection method: clinical testing. Allele origin: germline. Not counted in ClinVar's aggregate classification.
Comment: This variant is classified as likely benign based on ACMG/AMP sequence variant interpretation guidelines (Richards et al. 2015 PMID: 25741868, with internal and published modifications).

NM_000222.3(KIT):c.978C>T (p.Asn326=)

Gene: KIT (KIT proto-oncogene, receptor tyrosine kinase; plus strand). Cytogenetic location: 4q12.
Variant type: single nucleotide variant.
Coding change: c.978C>T on transcript NM_000222.3 (MANE Select); coding-DNA position 978, C replaced by T.
Protein change: p.Asn326=; no amino-acid change (asparagine 326 retained).
Molecular consequence: synonymous variant.
Genome position (GRCh38, 1-based): chr4:54,707,150, C>T. VCF-style: chr4-54707150-C-T. GRCh37 (hg19) VCF-style: chr4-55573316-C-T.
Other names: c.978C>T, p.Asn326= (NM_001093772.2, NM_001385285.1, NM_001385286.1); c.981C>T, p.Asn327= (NM_001385284.1, NM_001385288.1, NM_001385290.1 and 1 more transcripts).
Identifiers: ClinVar variation 458979 (VCV000458979.37), dbSNP rs148594615, ClinGen allele CA2923354.